The following is an entry in ClinVar:

ClinVar aggregate classification (germline): Benign/Likely benign. Review status: criteria provided, multiple submitters, no conflicts (2 of 4 stars). 4 submissions from 4 submitters: Benign (1); Likely benign (3). Last evaluated 2026-06-01.

Allele frequency attached by ClinVar (database versions not stated): gnomAD exomes 0.00036 and 0.00108; ExAC 0.00117; 1000 Genomes Project 30x 0.00281; 1000 Genomes Project 0.00300; gnomAD 0.00390 and 0.00421; ESP Exome Variant Server 0.00392; TOPMed 0.00454.
gnomAD v4.1: 1,129 of 1,611,432 alleles (0.07%); highest among the groups gnomAD compares: African/African-American, 1.3%; 10 homozygotes.

Submissions (4):

CeGaT Center for Human Genetics Tuebingen
Classification: Likely benign. Last evaluated: 2026-06-01. Review status: criteria provided, single submitter. Criteria: CeGaT Center For Human Genetics Tuebingen Variant Classification Criteria Version 2. Collection method: clinical testing. Allele origin: germline. Affected: yes. Observed: 1 variant allele.
Comment: SBF1: BP4, BP7, BS1

Labcorp Genetics (formerly Invitae), Labcorp
Classification: Benign. Last evaluated: 2026-01-07. Review status: criteria provided, single submitter. Criteria: Invitae Variant Classification Sherloc (09022015). Collection method: clinical testing. Allele origin: germline.

GeneDx
Classification: Likely benign. Last evaluated: 2020-11-06. Review status: criteria provided, single submitter. Criteria: GeneDx Variant Classification Process June 2021. Collection method: clinical testing. Allele origin: germline. Affected: yes.

Breakthrough Genomics
Classification: Likely benign. Review status: criteria provided, single submitter. Criteria: ACMG Guidelines, 2015. Collection method: not provided. Allele origin: germline. Inheritance: Autosomal recessive inheritance. Affected: yes.

NM_002972.4(SBF1):c.2730G>A (p.Glu910=)

Gene: SBF1 (SET binding factor 1; minus strand). Cytogenetic location: 22q13.33.
Variant type: single nucleotide variant.
Coding change: c.2730G>A on transcript NM_002972.4 (MANE Select); coding-DNA position 2730, G replaced by A.
Protein change: p.Glu910=; no amino-acid change (glutamic acid 910 retained).
Molecular consequence: synonymous variant.
Genome position (GRCh38, 1-based): chr22:50,461,632, C>T on the plus strand (G>A on the coding strand, the complement: SBF1 is on the minus strand). VCF-style: chr22-50461632-C-T. GRCh37 (hg19) VCF-style: chr22-50900061-C-T.
Other names: c.2733G>A, p.Glu911= (NM_001365819.1).
Identifiers: ClinVar variation 734028 (VCV000734028.15), dbSNP rs743039, ClinGen allele CA10317072.